The following is an entry in ClinVar:

NM_006371.5(CRTAP):c.436G>T (p.Glu146Ter)

Gene: CRTAP (cartilage associated protein; plus strand). Cytogenetic location: 3p22.3.
Variant type: single nucleotide variant.
Coding change: c.436G>T on transcript NM_006371.5 (MANE Select); coding-DNA position 436, G replaced by T.
Protein change: p.Glu146Ter; replaces glutamic acid 146 with a stop codon.
Molecular consequence: nonsense.
Genome position (GRCh38, 1-based): chr3:33,114,513, G>T. VCF-style: chr3-33114513-G-T. GRCh37 (hg19) VCF-style: chr3-33156005-G-T.
Other names: c.436G>T, p.Glu146Ter (NM_001393363.1, NM_001393364.1, NM_001393365.1); short protein forms E146*.
Identifiers: ClinVar variation 3011269 (VCV003011269.3), dbSNP rs2471562154, ClinGen allele CA352008843.

ClinVar aggregate classification (germline): Pathogenic (1 of 4 stars; one submission).

Conditions:
Osteogenesis imperfecta type 7 (OI7). Also called: OSTEOGENESIS IMPERFECTA, TYPE IIB; Osteogenesis imperfecta type 2B; OI type 2B; Osteogenesis imperfecta, perinatal lethal autosomal recessive; OI type IIB; OI type 7. Identifiers: MedGen C1853162, MONDO:0012536, OMIM 610682.

Submission:

Labcorp Genetics (formerly Invitae), Labcorp
Classification: Pathogenic for Osteogenesis imperfecta type 7. Last evaluated: 2023-07-26. Review status: criteria provided, single submitter. Criteria: Invitae Variant Classification Sherloc (09022015). Collection method: clinical testing. Allele origin: germline.
Comment: For these reasons, this variant has been classified as Pathogenic. This variant has not been reported in the literature in individuals affected with CRTAP-related conditions. This variant is not present in population databases (gnomAD no frequency). This sequence change creates a premature translational stop signal (p.Glu146*) in the CRTAP gene. It is expected to result in an absent or disrupted protein product. Loss-of-function variants in CRTAP are known to be pathogenic (PMID: 17055431, 19862557, 24715559).

Literature cited by the submitters: PubMed 17055431; PubMed 19862557; PubMed 24715559.